The following is an entry in ClinVar:

ClinVar aggregate classification (germline): Uncertain significance. Review status: criteria provided, multiple submitters, no conflicts (2 of 4 stars). 2 submissions from 2 submitters: Uncertain significance (2). Last evaluated 2026-07-28.

Conditions:
Tuberous sclerosis 2 (TSC2). Identifiers: Orphanet 805, MedGen C1860707, MONDO:0013199, OMIM 613254.
Hereditary cancer-predisposing syndrome. Also called: Hereditary Cancer Syndrome; Hereditary neoplastic syndrome; Neoplastic Syndromes, Hereditary; Tumor predisposition. Identifiers: Orphanet 140162, MedGen C0027672, MeSH D009386, MONDO:0015356.

Submissions (2):

Ambry Genetics
Classification: Uncertain significance for Hereditary cancer-predisposing syndrome. Last evaluated: 2026-07-28. Review status: criteria provided, single submitter. Criteria: Ambry Variant Classification Scheme 2023. Collection method: clinical testing. Allele origin: germline.
Comment: The p.H1019L variant (also known as c.3056A>T), located in coding exon 26 of the TSC2 gene, results from an A to T substitution at nucleotide position 3056. The histidine at codon 1019 is replaced by leucine, an amino acid with similar properties. This amino acid position is conserved. In addition, this alteration is predicted to be deleterious by in silico analysis. Based on the available evidence, the clinical significance of this variant remains unclear.

Labcorp Genetics (formerly Invitae), Labcorp
Classification: Uncertain significance for Tuberous sclerosis 2. Last evaluated: 2023-02-20. Review status: criteria provided, single submitter. Criteria: Invitae Variant Classification Sherloc (09022015). Collection method: clinical testing. Allele origin: germline.
Comment: In summary, the available evidence is currently insufficient to determine the role of this variant in disease. Therefore, it has been classified as a Variant of Uncertain Significance. Advanced modeling of protein sequence and biophysical properties (such as structural, functional, and spatial information, amino acid conservation, physicochemical variation, residue mobility, and thermodynamic stability) performed at Invitae indicates that this missense variant is expected to disrupt TSC2 protein function. This variant has not been reported in the literature in individuals affected with TSC2-related conditions. This variant is not present in population databases (gnomAD no frequency). This sequence change replaces histidine, which is basic and polar, with leucine, which is neutral and non-polar, at codon 1019 of the TSC2 protein (p.His1019Leu).

NM_000548.5(TSC2):c.3056A>T (p.His1019Leu)

Gene: TSC2 (TSC complex subunit 2; plus strand). Cytogenetic location: 16p13.3.
Variant type: single nucleotide variant.
Coding change: c.3056A>T on transcript NM_000548.5 (MANE Select); coding-DNA position 3056, A replaced by T.
Protein change: p.His1019Leu; replaces histidine 1019 with leucine.
Molecular consequence: missense variant. On other transcripts: non-coding transcript variant (5).
Genome position (GRCh38, 1-based): chr16:2,079,121, A>T. VCF-style: chr16-2079121-A-T. GRCh37 (hg19) VCF-style: chr16-2129122-A-T.
Other names: c.2924A>T, p.His975Leu (NM_001077183.3, NM_001370404.1, NM_001406665.1); c.3056A>T, p.His1019Leu (NM_001114382.3); c.2816A>T, p.His939Leu (NM_001318827.2); c.2780A>T, p.His927Leu (NM_001318829.2); c.2324A>T, p.His775Leu (NM_001318831.2, NM_001406687.1, NM_001406688.1); c.2957A>T, p.His986Leu (NM_001318832.2); c.2927A>T, p.His976Leu (NM_001363528.2, NM_001370405.1, NM_021055.3); c.3053A>T, p.His1018Leu (NM_001406663.1, NM_001406664.1); and 18 more; short protein forms H1019L, H527L, H571L, H822L, H926L, H927L, H938L, H971L.
Identifiers: ClinVar variation 2839222 (VCV002839222.5), dbSNP rs1555510317, ClinGen allele CA394284358.